The following is an entry in ClinVar:

ClinVar aggregate classification (germline): Likely pathogenic (1 of 4 stars; one submission).

Submission:

Labcorp Genetics (formerly Invitae), Labcorp
Classification: Likely pathogenic. Last evaluated: 2023-11-13. Review status: criteria provided, single submitter. Criteria: Invitae Variant Classification Sherloc (09022015). Collection method: clinical testing. Allele origin: germline.
Comment: This sequence change affects a donor splice site in intron 2 of the UBR1 gene. It is expected to disrupt RNA splicing. Variants that disrupt the donor or acceptor splice site typically lead to a loss of protein function (PMID: 16199547), and loss-of-function variants in UBR1 are known to be pathogenic (PMID: 24599544). This variant is not present in population databases (gnomAD no frequency). This variant has not been reported in the literature in individuals affected with UBR1-related conditions. Algorithms developed to predict the effect of sequence changes on RNA splicing suggest that this variant may disrupt the consensus splice site. In summary, the currently available evidence indicates that the variant is pathogenic, but additional data are needed to prove that conclusively. Therefore, this variant has been classified as Likely Pathogenic.

Literature cited by the submitters: PubMed 16199547; PubMed 24599544.

NM_174916.3(UBR1):c.338+2T>G

Gene: UBR1 (ubiquitin protein ligase E3 component n-recognin 1; minus strand). Cytogenetic location: 15q15.2.
Variant type: single nucleotide variant.
Coding change: c.338+2T>G on transcript NM_174916.3 (MANE Select); the canonical splice donor site of the intron after coding-DNA position 338, T replaced by G.
Molecular consequence: splice donor variant.
Genome position (GRCh38, 1-based): chr15:43,085,982, A>C on the plus strand (T>G on the coding strand, the complement: UBR1 is on the minus strand). VCF-style: chr15-43085982-A-C. GRCh37 (hg19) VCF-style: chr15-43378180-A-C.
Identifiers: ClinVar variation 2866868 (VCV002866868.3), dbSNP rs2543044879, ClinGen allele CA392086246.